The following is an entry in ClinVar:

NM_001458.5(FLNC):c.1147C>G (p.Pro383Ala)

Gene: FLNC (filamin C; plus strand). Cytogenetic location: 7q32.1.
Variant type: single nucleotide variant.
Coding change: c.1147C>G on transcript NM_001458.5 (MANE Select); coding-DNA position 1147, C replaced by G.
Protein change: p.Pro383Ala; replaces proline 383 with alanine.
Molecular consequence: missense variant.
Genome position (GRCh38, 1-based): chr7:128,838,366, C>G. VCF-style: chr7-128838366-C-G. GRCh37 (hg19) VCF-style: chr7-128478420-C-G.
Other names: c.1147C>G, p.Pro383Ala (NM_001127487.2); c.1147C>G (NM_001458.4); short protein forms P383A.
Identifiers: ClinVar variation 1579808 (VCV001579808.23), dbSNP rs770615073, ClinGen allele CA4474245.

ClinVar aggregate classification (germline): Benign/Likely benign. Review status: criteria provided, multiple submitters, no conflicts (2 of 4 stars). 3 submissions from 3 submitters: Benign (1); Likely benign (2). Last evaluated 2025-11-19.

Conditions:
Cardiovascular phenotype. Identifiers: MedGen CN230736.
Myofibrillar myopathy 5. Also called: Filaminopathy (type); FILAMINOPATHY, AUTOSOMAL DOMINANT. Identifiers: Orphanet 171445, MedGen C1836050, MONDO:0012289, OMIM 609524.
Hypertrophic cardiomyopathy 26. Also called: Cardiomyopathy, familial hypertrophic, 26. Identifiers: Orphanet 75249, MedGen C4310749, MONDO:0014883, OMIM 617047.
Distal myopathy with posterior leg and anterior hand involvement. Also called: WILLIAMS DISTAL MYOPATHY. Identifiers: Orphanet 63273, MedGen C3279722, MONDO:0013550, OMIM 614065.

Allele frequency attached by ClinVar (database versions not stated): ExAC 0.00001; gnomAD exomes 0.00005 and 0.00012; gnomAD 0.00036 and 0.00037; TOPMed 0.00036.
gnomAD v4.1: 82 of 1,613,996 alleles (0.0051%); highest among the groups gnomAD compares: Admixed American, 0.14%; no homozygotes.

Submissions (3):

Labcorp Genetics (formerly Invitae), Labcorp
Classification: Likely benign for Distal myopathy with posterior leg and anterior hand involvement; Myofibrillar myopathy 5; Hypertrophic cardiomyopathy 26. Last evaluated: 2025-11-19. Review status: criteria provided, single submitter. Criteria: Invitae Variant Classification Sherloc (09022015). Collection method: clinical testing. Allele origin: germline.

Ambry Genetics
Classification: Likely benign for Cardiovascular phenotype. Last evaluated: 2025-08-09. Review status: criteria provided, single submitter. Criteria: Ambry Variant Classification Scheme 2023. Collection method: clinical testing. Allele origin: germline.

CeGaT Center for Human Genetics Tuebingen
Classification: Benign. Last evaluated: 2024-10-01. Review status: criteria provided, single submitter. Criteria: CeGaT Center For Human Genetics Tuebingen Variant Classification Criteria Version 2. Collection method: clinical testing. Allele origin: germline. Affected: yes. Observed: 1 variant allele.
Comment: FLNC: BS1, BS2